The following is an entry in ClinVar:

ClinVar aggregate classification (germline): Uncertain significance (1 of 4 stars; one submission).

Submission:

Ambry Genetics
Classification: Uncertain significance. Last evaluated: 2025-09-17. Review status: criteria provided, single submitter. Criteria: Ambry Variant Classification Scheme 2023. Collection method: clinical testing. Allele origin: germline.
Comment: The p.H182Q variant (also known as c.546C>A), located in coding exon 3 of the GALNT12 gene, results from a C to A substitution at nucleotide position 546. The histidine at codon 182 is replaced by glutamine, an amino acid with highly similar properties. This amino acid position is conserved. In addition, the in silico prediction for this alteration is inconclusive. Since supporting evidence is limited at this time, the clinical significance of this alteration remains unclear.

NM_024642.5(GALNT12):c.546C>A (p.His182Gln)

Gene: GALNT12 (polypeptide N-acetylgalactosaminyltransferase 12; plus strand). Cytogenetic location: 9q22.33.
Variant type: single nucleotide variant.
Coding change: c.546C>A on transcript NM_024642.5 (MANE Select); coding-DNA position 546, C replaced by A.
Protein change: p.His182Gln; replaces histidine 182 with glutamine.
Molecular consequence: missense variant.
Genome position (GRCh38, 1-based): chr9:98,826,756, C>A. VCF-style: chr9-98826756-C-A. GRCh37 (hg19) VCF-style: chr9-101589038-C-A.
Other names: short protein forms H182Q.
Identifiers: ClinVar variation 1747710 (VCV001747710.3), dbSNP rs142210894, ClinGen allele CA374217243.